The following is an entry in ClinVar:

ClinVar aggregate classification (germline): Uncertain significance (1 of 4 stars; one submission).

Conditions:
Hereditary sensory and autonomic neuropathy type 7. Also called: Neuropathy, hereditary sensory and autonomic, type VII; HSAN VII. Identifiers: Orphanet 391397, MedGen C3809882, MONDO:0014244, OMIM 615548.
Familial episodic pain syndrome with predominantly lower limb involvement. Also called: Episodic pain syndrome, familial, 3. Identifiers: Orphanet 391384, Orphanet 391392, MedGen C3809899, MONDO:0014247, OMIM 615552.

Allele frequency attached by ClinVar (database versions not stated): ExAC 0.00001; gnomAD 0.00001; gnomAD exomes 0.00001 and 0.00005; TOPMed 0.00002.

Submission:

Labcorp Genetics (formerly Invitae), Labcorp
Classification: Uncertain significance for Familial episodic pain syndrome with predominantly lower limb involvement; Hereditary sensory and autonomic neuropathy type 7. Last evaluated: 2024-03-09. Review status: criteria provided, single submitter. Criteria: Invitae Variant Classification Sherloc (09022015). Collection method: clinical testing. Allele origin: germline.
Comment: This variant results in the deletion of part of exon 19 (c.3391_3393+7del) of the SCN11A gene. It is expected to disrupt RNA splicing. Variants that disrupt the donor or acceptor splice site typically lead to a loss of protein function (PMID: 16199547), however the current clinical and genetic evidence is not sufficient to establish whether loss-of-function variants in SCN11A cause disease. This variant is present in population databases (rs757147946, gnomAD 0.002%). This variant has not been reported in the literature in individuals affected with SCN11A-related conditions. ClinVar contains an entry for this variant (Variation ID: 660349). In summary, the available evidence is currently insufficient to determine the role of this variant in disease. Therefore, it has been classified as a Variant of Uncertain Significance.

Literature cited by the submitters: PubMed 16199547.

NM_001349253.2(SCN11A):c.3391_3393+7del

Gene: SCN11A (sodium voltage-gated channel alpha subunit 11; minus strand). Cytogenetic location: 3p22.2.
Variant type: Deletion.
Coding change: c.3391_3393+7del on transcript NM_001349253.2 (MANE Select); coding-DNA position 3391 through 7 bases into the intron after coding-DNA position 3393, 10 bases deleted (ATTGTAAGTT; older notation c.3391_3393+7delATTGTAAGTT).
Molecular consequence: splice donor variant.
Genome position (GRCh38, 1-based): chr3:38,879,943-38,879,952, AACTTACAAT deleted on the plus strand (ATTGTAAGTT on the coding strand, the reverse complement: SCN11A is on the minus strand). VCF-style (leftmost placement, unchanged base first): chr3-38879942-AAACTTACAAT-A. GRCh37 (hg19) VCF-style: chr3-38921433-AAACTTACAAT-A.
Other names: c.3391_3393+7del (NM_014139.3).
Identifiers: ClinVar variation 660349 (VCV000660349.7), dbSNP rs757147946, ClinGen allele CA2321817.